The following is an entry in ClinVar:

ClinVar aggregate classification (germline): Uncertain significance. Review status: criteria provided, multiple submitters, no conflicts (2 of 4 stars). 2 submissions from 2 submitters: Uncertain significance (2). Last evaluated 2023-07-26.

Allele frequency attached by ClinVar (database versions not stated): gnomAD 0.00001; TOPMed 0.00001.
gnomAD v4.1: 7 of 1,582,374 alleles (0.00044%); highest among the groups gnomAD compares: African/African-American, 0.0027%; no homozygotes.

Submissions (2):

Labcorp Genetics (formerly Invitae), Labcorp
Classification: Uncertain significance. Last evaluated: 2023-07-26. Review status: criteria provided, single submitter. Criteria: Invitae Variant Classification Sherloc (09022015). Collection method: clinical testing. Allele origin: germline.
Comment: This sequence change replaces serine, which is neutral and polar, with leucine, which is neutral and non-polar, at codon 1898 of the TRIOBP protein (p.Ser1898Leu). The frequency data for this variant in the population databases is considered unreliable, as metrics indicate poor data quality at this position in the gnomAD database. This variant has not been reported in the literature in individuals affected with TRIOBP-related conditions. ClinVar contains an entry for this variant (Variation ID: 165602). Algorithms developed to predict the effect of missense changes on protein structure and function output the following: SIFT: "Not Available"; PolyPhen-2: "Benign"; Align-GVGD: "Not Available". The leucine amino acid residue is found in multiple mammalian species, which suggests that this missense change does not adversely affect protein function. In summary, the available evidence is currently insufficient to determine the role of this variant in disease. Therefore, it has been classified as a Variant of Uncertain Significance.

Laboratory for Molecular Medicine, Mass General Brigham Personalized Medicine
Classification: Uncertain significance. Last evaluated: 2014-02-18. Review status: criteria provided, single submitter. Criteria: LMM Criteria. Collection method: clinical testing. Allele origin: germline. Observed: 1 variant allele.
Comment: Variant classified as Uncertain Significance - Favor Benign. The Ser1898Leu vari ant in TRIOBP has not been previously reported in individuals with hearing loss. Frequency data from large population studies is insufficient. Computational pre diction tools and conservation analyses do not provide strong support for or aga inst an impact to the protein. Of note, two mammals (brush-tailed rat and armadi llo) also have a leucine (Leu) at this position. In summary, the clinical signif icance of this variant cannot be determined with certainty; however based upon t he arguments described above, we would lean towards a more likely benign role.

NM_001039141.3(TRIOBP):c.5693C>T (p.Ser1898Leu)

Gene: TRIOBP (TRIO and F-actin binding protein; plus strand). Cytogenetic location: 22q13.1.
Variant type: single nucleotide variant.
Coding change: c.5693C>T on transcript NM_001039141.3 (MANE Select); coding-DNA position 5693, C replaced by T.
Protein change: p.Ser1898Leu; replaces serine 1898 with leucine.
Molecular consequence: missense variant.
Genome position (GRCh38, 1-based): chr22:37,757,618, C>T. VCF-style: chr22-37757618-C-T. GRCh37 (hg19) VCF-style: chr22-38153625-C-T.
Other names: c.554C>T, p.Ser185Leu (NM_007032.5, NM_138632.2); short protein forms S1898L, S185L.
Identifiers: ClinVar variation 165602 (VCV000165602.8), dbSNP rs727503523, ClinGen allele CA178345.